The following is an entry in ClinVar:

NM_170675.5(MEIS2):c.977+1G>A

Gene: MEIS2 (Meis homeobox 2; minus strand). Cytogenetic location: 15q14.
Variant type: single nucleotide variant.
Coding change: c.977+1G>A on transcript NM_170675.5 (MANE Select); the canonical splice donor site of the intron after coding-DNA position 977, G replaced by A.
Molecular consequence: splice donor variant.
Genome position (GRCh38, 1-based): chr15:36,950,323, C>T on the plus strand (G>A on the coding strand, the complement: MEIS2 is on the minus strand). VCF-style: chr15-36950323-C-T. GRCh37 (hg19) VCF-style: chr15-37242524-C-T.
Other names: c.938+1G>A (NM_002399.4, NM_172315.3); c.977+1G>A (NM_001220482.2, NM_170676.5, NM_170674.5 and 1 more transcripts); c.713+1G>A (NM_172316.3).
Identifiers: ClinVar variation 2575990 (VCV002575990.1), dbSNP rs2504535639, ClinGen allele CA391927007.

ClinVar aggregate classification (germline): Pathogenic (1 of 4 stars; one submission).

Submission:

Institute for Clinical Genetics, University Hospital TU Dresden, University Hospital TU Dresden
Classification: Pathogenic. Last evaluated: 2022-07-01. Review status: criteria provided, single submitter. Criteria: ACMG Guidelines, 2015. Collection method: clinical testing. Allele origin: germline.
Comment: PVS1, PM2_SUP